The following is an entry in ClinVar:

ClinVar aggregate classification (germline): Uncertain significance (1 of 4 stars; one submission).

Allele frequency attached by ClinVar (database versions not stated): gnomAD exomes below 0.00001; TOPMed below 0.00001.
gnomAD v4.1: 2 of 1,614,134 alleles (0.00012%); highest among the groups gnomAD compares: Non-Finnish European, 0.00017%; no homozygotes.

Submission:

Labcorp Genetics (formerly Invitae), Labcorp
Classification: Uncertain significance. Last evaluated: 2023-05-20. Review status: criteria provided, single submitter. Criteria: Invitae Variant Classification Sherloc (09022015). Collection method: clinical testing. Allele origin: germline.
Comment: This variant has not been reported in the literature in individuals affected with LRP5-related conditions. Advanced modeling of protein sequence and biophysical properties (such as structural, functional, and spatial information, amino acid conservation, physicochemical variation, residue mobility, and thermodynamic stability) performed at Invitae indicates that this missense variant is not expected to disrupt LRP5 protein function. In summary, the available evidence is currently insufficient to determine the role of this variant in disease. Therefore, it has been classified as a Variant of Uncertain Significance. This variant is not present in population databases (gnomAD no frequency). This sequence change replaces threonine, which is neutral and polar, with serine, which is neutral and polar, at codon 1235 of the LRP5 protein (p.Thr1235Ser).

NM_002335.4(LRP5):c.3703A>T (p.Thr1235Ser)

Gene: LRP5 (LDL receptor related protein 5; plus strand). Cytogenetic location: 11q13.2.
Variant type: single nucleotide variant.
Coding change: c.3703A>T on transcript NM_002335.4 (MANE Select); coding-DNA position 3703, A replaced by T.
Protein change: p.Thr1235Ser; replaces threonine 1235 with serine.
Molecular consequence: missense variant.
Genome position (GRCh38, 1-based): chr11:68,429,640, A>T. VCF-style: chr11-68429640-A-T. GRCh37 (hg19) VCF-style: chr11-68197108-A-T.
Other names: c.1960A>T, p.Thr654Ser (NM_001291902.2); short protein forms T1235S, T654S.
Identifiers: ClinVar variation 2798474 (VCV002798474.3), dbSNP rs2098670833, ClinGen allele CA381613329.
Genomic context (GRCh38, chr11:68,429,640, plus strand): 5'-CACCCATGTGCCCGTGACAATGGTGGCTGCTCCCACATCTGTATTGCCAAGGGTGATGGG[A>T]CACCACGGTGCTCATGCCCAGTCCACCTCGTGCTCCTGCAGAACCTGCTGACCTGTGGAG-3'
Protein context (NP_002326.2, residues 1225-1245): SHICIAKGDG[Thr1235Ser]PRCSCPVHLV